The following is an entry in ClinVar:

ClinVar aggregate classification (germline): Benign/Likely benign. Review status: criteria provided, multiple submitters, no conflicts (2 of 4 stars). 3 submissions from 3 submitters: Benign (1); Likely benign (2). Last evaluated 2024-09-24.

Conditions:
Familial melanoma. Also called: Hereditary melanoma; Hereditary cutaneous melanoma. Identifiers: Orphanet 618, MedGen C1512419, MONDO:0018961.
Melanoma, cutaneous malignant, susceptibility to, 3. Also called: Cutaneous malignant melanoma 3. Identifiers: Orphanet 618, MedGen C1836892, MONDO:0012183, OMIM 609048.

Allele frequency attached by ClinVar (database versions not stated): gnomAD exomes below 0.00001.
gnomAD v4.1: 1 of 1,613,888 alleles (0.000062%); highest among the groups gnomAD compares: South Asian, 0.0011%; no homozygotes.

Submissions (3):

Myriad Genetics, Inc.
Classification: Benign for Melanoma, cutaneous malignant, susceptibility to, 3. Last evaluated: 2024-09-24. Review status: criteria provided, single submitter. Criteria: Myriad Autosomal Dominant, Autosomal Recessive and X-Linked Classification Criteria (2023). Collection method: clinical testing. Allele origin: unknown.
Comment: This variant is considered benign. This variant is a silent/synonymous amino acid change and it is not expected to impact splicing.

Labcorp Genetics (formerly Invitae), Labcorp
Classification: Likely benign for Familial melanoma. Last evaluated: 2023-05-11. Review status: criteria provided, single submitter. Criteria: Invitae Variant Classification Sherloc (09022015). Collection method: clinical testing. Allele origin: germline.

GeneDx
Classification: Likely benign. Last evaluated: 2016-09-26. Review status: criteria provided, single submitter. Criteria: GeneDx Variant Classification (06012015). Collection method: clinical testing. Allele origin: germline. Affected: yes.
Comment: This variant is considered likely benign or benign based on one or more of the following criteria: it is a conservative change, it occurs at a poorly conserved position in the protein, it is predicted to be benign by multiple in silico algorithms, and/or has population frequency not consistent with disease.

NM_000075.4(CDK4):c.78C>T (p.Pro26=)

Gene: CDK4 (cyclin dependent kinase 4; minus strand). Cytogenetic location: 12q14.1.
Variant type: single nucleotide variant.
Coding change: c.78C>T on transcript NM_000075.4 (MANE Select); coding-DNA position 78, C replaced by T.
Protein change: p.Pro26=; no amino-acid change (proline 26 retained).
Molecular consequence: synonymous variant.
Genome position (GRCh38, 1-based): chr12:57,751,640, G>A on the plus strand (C>T on the coding strand, the complement: CDK4 is on the minus strand). VCF-style: chr12-57751640-G-A. GRCh37 (hg19) VCF-style: chr12-58145423-G-A.
Other names: c.78C>T (LRG_490t1).
Identifiers: ClinVar variation 389605 (VCV000389605.5), dbSNP rs1057523487, ClinGen allele CA16606362.
Genomic context (GRCh38, chr12:57,751,640, plus strand): 5'-TCCACCTCCTCCTCCATTGGGGACTCTCACACTCTTGAGGGCCACAAAGTGGCCACTGTG[G>A]GGATCACGGGCCTTGTACACTGTCCCATAGGCACCGACACCAATTTCAGCCACTGGCTCA-3'
Protein context (NP_000066.1, residues 16-36): AYGTVYKARD[Pro26=]HSGHFVALKS